The following is an entry in ClinVar:

ClinVar aggregate classification (germline): Uncertain significance (1 of 4 stars; one submission).

Conditions:
Inborn genetic diseases. Identifiers: MedGen C0950123, MeSH D030342.

gnomAD v4.1: 1 of 1,613,890 alleles (0.000062%); highest among the groups gnomAD compares: Non-Finnish European, 0.000085%; no homozygotes.

Submission:

Ambry Genetics
Classification: Uncertain significance for Inborn genetic diseases. Last evaluated: 2024-12-12. Review status: criteria provided, single submitter. Criteria: Ambry Variant Classification Scheme 2023. Collection method: clinical testing. Allele origin: germline.
Comment: The p.R1173G variant (also known as c.3517A>G), located in coding exon 1 of the SAMD9 gene, results from an A to G substitution at nucleotide position 3517. The arginine at codon 1173 is replaced by glycine, an amino acid with dissimilar properties. This amino acid position is conserved. In addition, this alteration is predicted to be tolerated by in silico analysis. Based on the available evidence, the clinical significance of this variant remains unclear.

NM_017654.4(SAMD9):c.3517A>G (p.Arg1173Gly)

Gene: SAMD9 (sterile alpha motif domain containing 9; minus strand). Cytogenetic location: 7q21.2.
Variant type: single nucleotide variant.
Coding change: c.3517A>G on transcript NM_017654.4 (MANE Select); coding-DNA position 3517, A replaced by G.
Protein change: p.Arg1173Gly; replaces arginine 1173 with glycine.
Molecular consequence: missense variant.
Genome position (GRCh38, 1-based): chr7:93,102,581, T>C on the plus strand (A>G on the coding strand, the complement: SAMD9 is on the minus strand). VCF-style: chr7-93102581-T-C. GRCh37 (hg19) VCF-style: chr7-92731894-T-C.
Other names: c.3517A>G, p.Arg1173Gly (NM_001193307.2); short protein forms R1173G.
Identifiers: ClinVar variation 3791894 (VCV003791894.1).
Genomic context (GRCh38, chr7:93,102,581, plus strand): 5'-TGTAAGTATCATACCGCCTTTTTGACTTCGGATACAATCTTTCCTTCACTTCATACTCTC[T>C]ATCTTCACTTTGCTGTTGAGATTCTTTGAATGCACTTGAGGCATGTTCTGCTAAATCCAA-3'
Protein context (NP_060124.2, residues 1163-1183): FKESQQQSED[Arg1173Gly]EYEVKERLYP